The following is an entry in ClinVar:

NM_013296.5(GPSM2):c.795C>T (p.Tyr265=)

Gene: GPSM2 (G protein signaling modulator 2; plus strand). Cytogenetic location: 1p13.3.
Variant type: single nucleotide variant.
Coding change: c.795C>T on transcript NM_013296.5 (MANE Select); coding-DNA position 795, C replaced by T.
Protein change: p.Tyr265=; no amino-acid change (tyrosine 265 retained).
Molecular consequence: synonymous variant.
Genome position (GRCh38, 1-based): chr1:108,898,992, C>T. VCF-style: chr1-108898992-C-T. GRCh37 (hg19) VCF-style: chr1-109441614-C-T.
Other names: c.795C>T, p.Tyr265= (NM_001321038.2, NM_001321039.3).
Identifiers: ClinVar variation 3392680 (VCV003392680.1).

ClinVar aggregate classification (germline): Uncertain significance (1 of 4 stars; one submission).

gnomAD v4.1: 8 of 1,477,770 alleles (0.00054%); highest among the groups gnomAD compares: East Asian, 0.011%; no homozygotes.

Submission:

GeneDx
Classification: Uncertain significance. Last evaluated: 2024-06-26. Review status: criteria provided, single submitter. Criteria: GeneDx Variant Classification Process June 2021. Collection method: clinical testing. Allele origin: germline. Affected: yes.
Comment: Not observed at significant frequency in large population cohorts (gnomAD); In silico analysis indicates that this variant does not alter splicing; Has not been previously published as pathogenic or benign to our knowledge